The following is an entry in ClinVar:

ClinVar aggregate classification (germline): Uncertain significance (1 of 4 stars; one submission).

Conditions:
Epidermolysis bullosa simplex 5C, with pyloric atresia (EBS5C). Also called: PLEC1-Related Epidermolysis Bullosa with Pyloric Atresia; Epidermolysis bullosa simplex with pyloric atresia; PLEC-Related Epidermolysis Bullosa with Pyloric Atresia. Identifiers: Orphanet 158684, MedGen C2677349, MONDO:0012807, OMIM 612138.
Autosomal recessive limb-girdle muscular dystrophy type 2Q (LGMDR17). Also called: MUSCULAR DYSTROPHY, LIMB-GIRDLE, AUTOSOMAL RECESSIVE 17. Identifiers: Orphanet 254361, MedGen C3150989, MONDO:0013390, OMIM 613723.
Epidermolysis bullosa simplex with nail dystrophy (EBS5D). Identifiers: MedGen C4225309, MONDO:0014661, OMIM 616487.
Epidermolysis bullosa simplex 5B, with muscular dystrophy (EBS5B). Also called: Epidermolysis bullosa simplex with muscular dystrophy; EPIDERMOLYSIS BULLOSA SIMPLEX AND LIMB-GIRDLE MUSCULAR DYSTROPHY. Identifiers: Orphanet 257, MedGen C2931072, MONDO:0009181, OMIM 226670.
Epidermolysis bullosa simplex, Ogna type (EBS5A). Also called: EPIDERMOLYSIS BULLOSA SIMPLEX 5A, OGNA TYPE; Pidermolysis bullosa simplex 5A, Ogna type. Identifiers: Orphanet 79401, MedGen C0432317, MONDO:0007555, OMIM 131950.

Submission:

Labcorp Genetics (formerly Invitae), Labcorp
Classification: Uncertain significance for Autosomal recessive limb-girdle muscular dystrophy type 2Q; Epidermolysis bullosa simplex, Ogna type; Epidermolysis bullosa simplex with nail dystrophy; Epidermolysis bullosa simplex 5C, with pyloric atresia; Epidermolysis bullosa simplex 5B, with muscular dystrophy. Last evaluated: 2025-04-23. Review status: criteria provided, single submitter. Criteria: Invitae Variant Classification Sherloc (09022015). Collection method: clinical testing. Allele origin: germline.
Comment: This sequence change replaces glutamic acid, which is acidic and polar, with aspartic acid, which is acidic and polar, at codon 1779 of the PLEC protein (p.Glu1779Asp). Information on the frequency of this variant in the gnomAD database is not available, as this variant may be reported differently in the database. This variant has not been reported in the literature in individuals affected with PLEC-related conditions. ClinVar contains an entry for this variant (Variation ID: 840735). Experimental studies and prediction algorithms are not available or were not evaluated, and the functional significance of this variant is currently unknown. In summary, the available evidence is currently insufficient to determine the role of this variant in disease. Therefore, it has been classified as a Variant of Uncertain Significance.

NM_201384.3(PLEC):c.5256_5257delinsTT (p.Glu1752Asp)

Gene: PLEC (plectin; minus strand). Cytogenetic location: 8q24.3.
Variant type: Indel.
Coding change: c.5256_5257delinsTT on transcript NM_201384.3 (MANE Select); coding-DNA positions 5256 to 5257, GC replaced by TT.
Protein change: p.Glu1752Asp; replaces glutamic acid 1752 with aspartic acid.
Molecular consequence: missense variant.
Genome position (GRCh38, 1-based): chr8:143,924,672-143,924,673, GC replaced by AA on the plus strand (GC replaced by TT on the coding strand, the reverse complement: PLEC is on the minus strand). VCF-style: chr8-143924672-GC-AA. GRCh37 (hg19) VCF-style: chr8-144998840-GC-AA.
Other names: c.5337_5338delinsTT, p.Glu1779Asp (NM_000445.5); c.5214_5215delinsTT, p.Glu1738Asp (NM_201378.4); c.5190_5191delinsTT, p.Glu1730Asp (NM_201379.3); c.5667_5668delinsTT, p.Glu1889Asp (NM_201380.4); c.5160_5161delinsTT, p.Glu1720Asp (NM_201381.3); c.5256_5257delinsTT, p.Glu1752Asp (NM_201382.4); c.5268_5269delinsTT, p.Glu1756Asp (NM_201383.3); short protein forms E1720D, E1730D, E1738D, E1756D, E1779D, E1889D, E1752D.
Identifiers: ClinVar variation 840735 (VCV000840735.5), dbSNP rs1824271470, ClinGen allele CA916083018.